The following is an entry in ClinVar:

ClinVar aggregate classification (germline): Likely pathogenic (1 of 4 stars; one submission).

Conditions:
Intellectual developmental disorder, X-linked 104. Also called: Intellectual disability, X-linked 104. Identifiers: MedGen C4310817, MONDO:0010509, OMIM 300983.

Submission:

MVZ Medizinische Genetik Mainz
Classification: Likely pathogenic for Intellectual developmental disorder, X-linked 104. Last evaluated: 2023-02-24. Review status: criteria provided, single submitter. Criteria: UK Practice Guidelines For Variant Classification V4 01 2020. Collection method: clinical testing. Allele origin: germline. Inheritance: X-linked recessive inheritance. Affected: yes. Observed: 1 variant allele.
Comment: ACMG Criteria: PVS1, PM2_SUP

NM_001368397.1(FRMPD4):c.1335T>A (p.Tyr445Ter)

Gene: FRMPD4 (FERM and PDZ domain containing 4; plus strand). Cytogenetic location: Xp22.2.
Variant type: single nucleotide variant.
Coding change: c.1335T>A on transcript NM_001368397.1 (MANE Select); coding-DNA position 1335, T replaced by A.
Protein change: p.Tyr445Ter; replaces tyrosine 445 with a stop codon.
Molecular consequence: nonsense.
Genome position (GRCh38, 1-based): chrX:12,707,516, T>A. VCF-style: chrX-12707516-T-A. GRCh37 (hg19) VCF-style: chrX-12725635-T-A.
Other names: c.1311T>A, p.Tyr437Ter (NM_001368401.1, NM_001368402.3); c.1335T>A, p.Tyr445Ter (NM_014728.3); c.1446T>A, p.Tyr482Ter (NM_001368395.3, NM_001368398.3); c.1341T>A, p.Tyr447Ter (NM_001368396.3); c.1326T>A, p.Tyr442Ter (NM_001368399.3); c.1215T>A, p.Tyr405Ter (NM_001368400.3); short protein forms Y405*, Y437*, Y442*, Y445*, Y447*, Y482*.
Identifiers: ClinVar variation 3236780 (VCV003236780.1), dbSNP rs2041899970.